The following is an entry in ClinVar:

NM_003906.5(MCM3AP):c.2929_2931delinsGAC (p.His977Asp)

Gene: MCM3AP (minichromosome maintenance complex component 3 associated protein; minus strand). Cytogenetic location: 21q22.3.
Variant type: Indel.
Coding change: c.2929_2931delinsGAC on transcript NM_003906.5 (MANE Select); coding-DNA positions 2929 to 2931, CAT replaced by GAC.
Protein change: p.His977Asp; replaces histidine 977 with aspartic acid.
Molecular consequence: missense variant.
Genome position (GRCh38, 1-based): chr21:46,266,025-46,266,027, ATG replaced by GTC on the plus strand (CAT replaced by GAC on the coding strand, the reverse complement: MCM3AP is on the minus strand). VCF-style: chr21-46266025-ATG-GTC. GRCh37 (hg19) VCF-style: chr21-47685939-ATG-GTC.
Other names: short protein forms H977D.
Identifiers: ClinVar variation 3376071 (VCV003376071.1).

ClinVar aggregate classification (germline): Uncertain significance (1 of 4 stars; one submission).

Submission:

GeneDx
Classification: Uncertain significance. Last evaluated: 2024-05-04. Review status: criteria provided, single submitter. Criteria: GeneDx Variant Classification Process June 2021. Collection method: clinical testing. Allele origin: germline. Affected: yes.
Comment: Not observed at significant frequency in large population cohorts (gnomAD); In silico analysis supports a deleterious effect on protein structure/function; Has not been previously published as pathogenic or benign to our knowledge; In-frame deletion of 1 amino acid and insertion of 1 amino acid in a non-repeat region